The following is an entry in ClinVar:

ClinVar aggregate classification (germline): Conflicting classifications of pathogenicity. Review status: criteria provided, conflicting classifications (1 of 4 stars). 6 submissions from 6 submitters: Uncertain significance (5); Likely benign (1). Last evaluated 2026-01-21.

Conditions:
Hereditary cancer-predisposing syndrome. Also called: Neoplastic Syndromes, Hereditary; Tumor predisposition; Hereditary Cancer Syndrome; Hereditary neoplastic syndrome. Identifiers: Orphanet 140162, MedGen C0027672, MeSH D009386, MONDO:0015356.
Lynch syndrome. Identifiers: Orphanet 144, MedGen C4552100, MONDO:0005835. Disease mechanism: loss of function.
Hereditary nonpolyposis colorectal neoplasms. Identifiers: MedGen C0009405, MeSH D003123.

Allele frequency attached by ClinVar (database versions not stated): TOPMed 0.00001; ESP Exome Variant Server 0.00008.
gnomAD v4.1: 7 of 1,613,954 alleles (0.00043%); highest among the groups gnomAD compares: African/African-American, 0.0027%; no homozygotes.

Submissions (6):

Labcorp Genetics (formerly Invitae), Labcorp
Classification: Likely benign for Hereditary nonpolyposis colorectal neoplasms. Last evaluated: 2026-01-21. Review status: criteria provided, single submitter. Criteria: Invitae Variant Classification Sherloc (09022015). Collection method: clinical testing. Allele origin: germline.

Ambry Genetics
Classification: Uncertain significance for Hereditary cancer-predisposing syndrome. Last evaluated: 2025-07-05. Review status: criteria provided, single submitter. Criteria: Ambry Variant Classification Scheme 2023. Collection method: clinical testing. Allele origin: germline.
Comment: The p.P1110S variant (also known as c.3328C>T), located in coding exon 5 of the MSH6 gene, results from a C to T substitution at nucleotide position 3328. The proline at codon 1110 is replaced by serine, an amino acid with similar properties. This amino acid position is highly conserved in available vertebrate species. In addition, this alteration is predicted to be deleterious by in silico analysis. Since supporting evidence is limited at this time, the clinical significance of this alteration remains unclear.

GeneDx
Classification: Uncertain significance. Last evaluated: 2024-02-28. Review status: criteria provided, single submitter. Criteria: GeneDx Variant Classification Process June 2021. Collection method: clinical testing. Allele origin: germline. Affected: yes.
Comment: Not observed at significant frequency in large population cohorts (gnomAD); In silico analysis supports that this missense variant has a deleterious effect on protein structure/function; Has not been previously published as pathogenic or benign to our knowledge; This variant is associated with the following publications: (PMID: 25589618, 23621914, 17531815, 21120944)

Quest Diagnostics Nichols Institute San Juan Capistrano
Classification: Uncertain significance. Last evaluated: 2023-11-27. Review status: criteria provided, single submitter. Criteria: Quest Diagnostics criteria. Collection method: clinical testing. Allele origin: unknown.
Comment: The MSH6 c.3328C>T (p.Pro1110Ser) variant has been observed in a breast cancer association study in 2 unaffected control individuals (see LOVD and PMID: 33471991 (2021)). The frequency of this variant in the general population, 0.000008 (2/251314 chromosomes (Genome Aggregation Database)), is uninformative in the assessment of its pathogenicity. Analysis of this variant using bioinformatics tools for the prediction of the effect of amino acid changes on protein structure and function yielded predictions that this variant is damaging. Based on the available information, we are unable to determine the clinical significance of this variant.

All of Us Research Program, National Institutes of Health
Classification: Uncertain significance for Lynch syndrome. Last evaluated: 2023-05-04. Review status: criteria provided, single submitter. Criteria: ACMG Guidelines, 2015. Collection method: clinical testing. Allele origin: germline. Inheritance: Autosomal dominant inheritance. Observed: 1 variant allele, 1 heterozygote.
Comment: This missense variant replaces proline with serine at codon 1110 of the MSH6 protein. Computational prediction tools and conservation analyses suggest that this variant may have deleterious impact on protein structure and function. Splice site prediction tools suggest that this variant may not impact RNA splicing. To our knowledge, functional studies have not been performed for this variant. This variant has not been reported in individuals affected with hereditary cancer in the literature. This variant has been identified in 2/251314 chromosomes in the general population by the Genome Aggregation Database (gnomAD). The available evidence is insufficient to determine the role of this variant in disease conclusively. Therefore, this variant is classified as a Variant of Uncertain Significance.

This study involves interpretation of variants in research participants for the purpose of population health screening. Participant phenotype was not available at the time of variant classification. Additional details can be found in publication PMID: 35346344, PMCID: PMC8962531

Color Diagnostics, LLC DBA Color Health
Classification: Uncertain significance for Hereditary cancer-predisposing syndrome. Last evaluated: 2019-08-23. Review status: criteria provided, single submitter. Criteria: ACMG Guidelines, 2015. Collection method: clinical testing. Allele origin: germline.
Comment: This missense variant replaces proline with serine at codon 1110 of the MSH6 protein. Computational prediction tools and conservation analyses suggest that this variant may have deleterious impact on protein structure and function. Splice site prediction tools suggest that this variant may not impact RNA splicing. To our knowledge, functional studies have not been performed for this variant. This variant has not been reported in individuals affected with hereditary cancer in the literature. This variant has been identified in 2/251314 chromosomes in the general population by the Genome Aggregation Database (gnomAD). The available evidence is insufficient to determine the role of this variant in disease conclusively. Therefore, this variant is classified as a Variant of Uncertain Significance.

Literature cited by the submitters: PubMed 33471991 (cited by Quest Diagnostics Nichols Institute San Juan Capistrano).

NM_000179.3(MSH6):c.3328C>T (p.Pro1110Ser)

Gene: MSH6 (mutS homolog 6; plus strand). Cytogenetic location: 2p16.3.
Variant type: single nucleotide variant.
Coding change: c.3328C>T on transcript NM_000179.3 (MANE Select); coding-DNA position 3328, C replaced by T.
Protein change: p.Pro1110Ser; replaces proline 1110 with serine.
Molecular consequence: missense variant.
Genome position (GRCh38, 1-based): chr2:47,803,575, C>T. VCF-style: chr2-47803575-C-T. GRCh37 (hg19) VCF-style: chr2-48030714-C-T.
Other names: c.2938C>T, p.Pro980Ser (NM_001281492.2); c.2422C>T, p.Pro808Ser (NM_001281493.2, NM_001281494.2); short protein forms P1110S, P808S, P980S.
Identifiers: ClinVar variation 187114 (VCV000187114.20), dbSNP rs374070511, ClinGen allele CA012609.